The following is an entry in ClinVar:

ClinVar aggregate classification (germline): Uncertain significance. Review status: criteria provided, multiple submitters, no conflicts (2 of 4 stars). 2 submissions from 2 submitters: Uncertain significance (2). Last evaluated 2024-04-27.

Conditions:
Hereditary cancer-predisposing syndrome. Also called: Tumor predisposition; Neoplastic Syndromes, Hereditary; Hereditary Cancer Syndrome; Hereditary neoplastic syndrome. Identifiers: Orphanet 140162, MedGen C0027672, MeSH D009386, MONDO:0015356.
Neuroblastoma, susceptibility to, 3. Also called: ALK-Related Neuroblastic Tumor Susceptibility. Identifiers: Orphanet 635, MedGen C2751681, MONDO:0013083, OMIM 613014.

Allele frequency attached by ClinVar (database versions not stated): gnomAD exomes below 0.00001.
gnomAD v4.1: 1 of 1,614,076 alleles (0.000062%); highest among the groups gnomAD compares: South Asian, 0.0011%; no homozygotes.

Submissions (2):

Ambry Genetics
Classification: Uncertain significance for Hereditary cancer-predisposing syndrome. Last evaluated: 2024-04-27. Review status: criteria provided, single submitter. Criteria: Ambry Variant Classification Scheme 2023. Collection method: clinical testing. Allele origin: germline.
Comment: The p.N764S variant (also known as c.2291A>G), located in coding exon 13 of the ALK gene, results from an A to G substitution at nucleotide position 2291. The asparagine at codon 764 is replaced by serine, an amino acid with highly similar properties. This amino acid position is conserved. In addition, this alteration is predicted to be tolerated by in silico analysis. Since supporting evidence is limited at this time, the clinical significance of this alteration remains unclear.

Labcorp Genetics (formerly Invitae), Labcorp
Classification: Uncertain significance for Neuroblastoma, susceptibility to, 3. Last evaluated: 2023-11-14. Review status: criteria provided, single submitter. Criteria: Invitae Variant Classification Sherloc (09022015). Collection method: clinical testing. Allele origin: germline.
Comment: This sequence change replaces asparagine, which is neutral and polar, with serine, which is neutral and polar, at codon 764 of the ALK protein (p.Asn764Ser). This variant is not present in population databases (gnomAD no frequency). This variant has not been reported in the literature in individuals affected with ALK-related conditions. ClinVar contains an entry for this variant (Variation ID: 1789116). An algorithm developed to predict the effect of missense changes on protein structure and function (PolyPhen-2) suggests that this variant is likely to be tolerated. In summary, the available evidence is currently insufficient to determine the role of this variant in disease. Therefore, it has been classified as a Variant of Uncertain Significance.

NM_004304.5(ALK):c.2291A>G (p.Asn764Ser)

Gene: ALK (ALK receptor tyrosine kinase; minus strand). Cytogenetic location: 2p23.2.
Variant type: single nucleotide variant.
Coding change: c.2291A>G on transcript NM_004304.5 (MANE Select); coding-DNA position 2291, A replaced by G.
Protein change: p.Asn764Ser; replaces asparagine 764 with serine.
Molecular consequence: missense variant.
Genome position (GRCh38, 1-based): chr2:29,239,744, T>C on the plus strand (A>G on the coding strand, the complement: ALK is on the minus strand). VCF-style: chr2-29239744-T-C. GRCh37 (hg19) VCF-style: chr2-29462610-T-C.
Other names: short protein forms N764S.
Identifiers: ClinVar variation 1789116 (VCV001789116.8), dbSNP rs2465270087, ClinGen allele CA346474455.